The following is an entry in ClinVar:

ClinVar aggregate classification (germline): Pathogenic (1 of 4 stars; one submission).

Conditions:
Alstrom syndrome (ALMS). Identifiers: Orphanet 64, MedGen C0268425, MONDO:0008763, OMIM 203800.

Submission:

Labcorp Genetics (formerly Invitae), Labcorp
Classification: Pathogenic for Alstrom syndrome. Last evaluated: 2025-10-31. Review status: criteria provided, single submitter. Criteria: Invitae Variant Classification Sherloc (09022015). Collection method: clinical testing. Allele origin: germline.
Comment: This sequence change creates a premature translational stop signal (p.Lys554Hisfs*5) in the ALMS1 gene. It is expected to result in an absent or disrupted protein product. Loss-of-function variants in ALMS1 are known to be pathogenic (PMID: 17594715). This variant is not present in population databases (gnomAD no frequency). This variant has not been reported in the literature in individuals affected with ALMS1-related conditions. For these reasons, this variant has been classified as Pathogenic.

Literature cited by the submitters: PubMed 17594715.

NM_001378454.1(ALMS1):c.1656_1660del (p.Lys553fs)

Gene: ALMS1 (ALMS1 centrosome and basal body associated protein; plus strand). Cytogenetic location: 2p13.1.
Variant type: Deletion.
Coding change: c.1656_1660del on transcript NM_001378454.1 (MANE Select); coding-DNA positions 1656 to 1660, 5 bases deleted (GAAAG; older notation c.1656_1660delGAAAG).
Protein change: p.Lys553fs; shifts the reading frame from lysine 553.
Molecular consequence: frameshift variant.
Genome position (GRCh38, 1-based): chr2:73,448,183-73,448,187, GAAAG deleted. VCF-style (leftmost placement, unchanged base first): chr2-73448182-TGAAAG-T. GRCh37 (hg19) VCF-style: chr2-73675309-TGAAAG-T.
Other names: c.1659_1663del, p.Lys554fs (NM_015120.4); short protein forms K553fs, K554fs.
Identifiers: ClinVar variation 4730262 (VCV004730262.1).